The following is an entry in ClinVar:

NM_004304.5(ALK):c.4083A>G (p.Ile1361Met)

Gene: ALK (ALK receptor tyrosine kinase; minus strand). Cytogenetic location: 2p23.2.
Variant type: single nucleotide variant.
Coding change: c.4083A>G on transcript NM_004304.5 (MANE Select); coding-DNA position 4083, A replaced by G.
Protein change: p.Ile1361Met; replaces isoleucine 1361 with methionine.
Molecular consequence: missense variant.
Genome position (GRCh38, 1-based): chr2:29,196,851, T>C on the plus strand (A>G on the coding strand, the complement: ALK is on the minus strand). VCF-style: chr2-29196851-T-C. GRCh37 (hg19) VCF-style: chr2-29419717-T-C.
Other names: c.879A>G, p.Ile293Met (NM_001353765.2); short protein forms I293M, I1361M.
Identifiers: ClinVar variation 2828968 (VCV002828968.3), dbSNP rs2465880840, ClinGen allele CA346465545.

ClinVar aggregate classification (germline): Uncertain significance (1 of 4 stars; one submission).

Conditions:
Neuroblastoma, susceptibility to, 3. Also called: ALK-Related Neuroblastic Tumor Susceptibility. Identifiers: Orphanet 635, MedGen C2751681, MONDO:0013083, OMIM 613014.

Submission:

Labcorp Genetics (formerly Invitae), Labcorp
Classification: Uncertain significance for Neuroblastoma, susceptibility to, 3. Last evaluated: 2023-01-15. Review status: criteria provided, single submitter. Criteria: Invitae Variant Classification Sherloc (09022015). Collection method: clinical testing. Allele origin: germline.
Comment: This variant has not been reported in the literature in individuals affected with ALK-related conditions. This sequence change replaces isoleucine, which is neutral and non-polar, with methionine, which is neutral and non-polar, at codon 1361 of the ALK protein (p.Ile1361Met). This variant is not present in population databases (gnomAD no frequency). Algorithms developed to predict the effect of missense changes on protein structure and function are either unavailable or do not agree on the potential impact of this missense change (SIFT: "Deleterious"; PolyPhen-2: "Probably Damaging"; Align-GVGD: "Class C0"). In summary, the available evidence is currently insufficient to determine the role of this variant in disease. Therefore, it has been classified as a Variant of Uncertain Significance.